The following is an entry in ClinVar:

ClinVar aggregate classification (germline): Uncertain significance (1 of 4 stars; one submission).

gnomAD v4.1: 431 of 1,612,112 alleles (0.027%); highest among the groups gnomAD compares: Non-Finnish European, 0.034%; no homozygotes.

Submission:

GeneDx
Classification: Uncertain significance. Last evaluated: 2024-10-01. Review status: criteria provided, single submitter. Criteria: GeneDx Variant Classification Process June 2021. Collection method: clinical testing. Allele origin: germline. Affected: yes.
Comment: In silico analysis supports that this missense variant has a deleterious effect on protein structure/function; Has not been previously published as pathogenic or benign to our knowledge; Variants in candidate genes are classified as variants of uncertain significance in accordance with ACMG guidelines (PMID: 25741868)

NM_001347886.2(DNAH3):c.11534G>A (p.Arg3845Gln)

Gene: DNAH3 (dynein axonemal heavy chain 3; minus strand). Cytogenetic location: 16p12.3.
Variant type: single nucleotide variant.
Coding change: c.11534G>A on transcript NM_001347886.2 (MANE Select); coding-DNA position 11534, G replaced by A.
Protein change: p.Arg3845Gln; replaces arginine 3845 with glutamine.
Molecular consequence: missense variant.
Genome position (GRCh38, 1-based): chr16:20,936,836, C>T on the plus strand (G>A on the coding strand, the complement: DNAH3 is on the minus strand). VCF-style: chr16-20936836-C-T. GRCh37 (hg19) VCF-style: chr16-20948158-C-T.
Other names: c.11672G>A, p.Arg3891Gln (NM_017539.2); short protein forms R3845Q, R3891Q.
Identifiers: ClinVar variation 3776468 (VCV003776468.1).